The following is an entry in ClinVar:

NM_015656.2(KIF26A):c.2617C>T (p.Arg873Ter)

Gene: KIF26A (kinesin family member 26A; plus strand). Cytogenetic location: 14q32.33.
Variant type: single nucleotide variant.
Coding change: c.2617C>T on transcript NM_015656.2 (MANE Select); coding-DNA position 2617, C replaced by T.
Protein change: p.Arg873Ter; replaces arginine 873 with a stop codon.
Molecular consequence: nonsense.
Genome position (GRCh38, 1-based): chr14:104,175,405, C>T. VCF-style: chr14-104175405-C-T. GRCh37 (hg19) VCF-style: chr14-104641742-C-T.
Other names: short protein forms R873*.
Identifiers: ClinVar variation 4998945 (VCV004998945.1).

ClinVar aggregate classification (germline): Likely pathogenic (1 of 4 stars; one submission).

Conditions:
KIF26A-related condition.

gnomAD v4.1: 4 of 1,594,696 alleles (0.00025%); highest among the groups gnomAD compares: South Asian, 0.0011%; no homozygotes.

Submission:

PreventionGenetics, part of Exact Sciences
Classification: Likely pathogenic for KIF26A-related condition. Last evaluated: 2025-06-30. Review status: criteria provided, single submitter. Criteria: ACMG Guidelines, 2015. Collection method: clinical testing. Allele origin: germline.
Comment: The KIF26A c.2617C>T variant is predicted to result in premature protein termination (p.Arg873*). To our knowledge, this variant has not been reported in the literature or in a large population database (gnomAD), indicating this variant is rare. Nonsense variants in KIF26A are expected to be pathogenic. This variant is interpreted as likely pathogenic.